The following is an entry in ClinVar:

NM_207122.2(EXT2):c.371A>G (p.Asn124Ser)

Gene: EXT2 (exostosin glycosyltransferase 2; plus strand). Cytogenetic location: 11p11.2.
Variant type: single nucleotide variant.
Coding change: c.371A>G on transcript NM_207122.2 (MANE Select); coding-DNA position 371, A replaced by G.
Protein change: p.Asn124Ser; replaces asparagine 124 with serine.
Molecular consequence: missense variant.
Genome position (GRCh38, 1-based): chr11:44,108,083, A>G. VCF-style: chr11-44108083-A-G. GRCh37 (hg19) VCF-style: chr11-44129633-A-G.
Other names: c.470A>G, p.Asn157Ser (NM_000401.3); c.371A>G, p.Asn124Ser (NM_001178083.3, NM_001389628.1, NM_001389630.1); short protein forms N157S, N124S.
Identifiers: ClinVar variation 3710614 (VCV003710614.2).
Genomic context (GRCh38, chr11:44,108,083, plus strand): 5'-TCAAGGTGTATATCTATGCTCTGAAAAAGTACGTGGATGACTTTGGCGTCTCTGTCAGCA[A>G]CACCATCTCCCGGGAGTATAATGAACTGCTCATGGCCATCTCAGACAGTGACTACTACAC-3'
Protein context (NP_997005.1, residues 114-134): YVDDFGVSVS[Asn124Ser]TISREYNELL

ClinVar aggregate classification (germline): Uncertain significance (1 of 4 stars; one submission).

Conditions:
Exostoses, multiple, type 2 (EXT2). Also called: Hereditary Multiple Osteochondromatosis, Type II; EXOSTOSES, MULTIPLE, TYPE II. Identifiers: Orphanet 321, MedGen C1851413, MONDO:0007586, OMIM 133701.

gnomAD v4.1: 14 of 1,614,192 alleles (0.00087%); highest among the groups gnomAD compares: Middle Eastern, 0.016%; no homozygotes.

Submission:

Labcorp Genetics (formerly Invitae), Labcorp
Classification: Uncertain significance for Exostoses, multiple, type 2. Last evaluated: 2024-10-28. Review status: criteria provided, single submitter. Criteria: Invitae Variant Classification Sherloc (09022015). Collection method: clinical testing. Allele origin: germline.
Comment: This sequence change replaces asparagine, which is neutral and polar, with serine, which is neutral and polar, at codon 124 of the EXT2 protein (p.Asn124Ser). This variant is present in population databases (rs758285777, gnomAD 0.02%). This variant has not been reported in the literature in individuals affected with EXT2-related conditions. Invitae Evidence Modeling of protein sequence and biophysical properties (such as structural, functional, and spatial information, amino acid conservation, physicochemical variation, residue mobility, and thermodynamic stability) indicates that this missense variant is not expected to disrupt EXT2 protein function with a negative predictive value of 95%. In summary, the available evidence is currently insufficient to determine the role of this variant in disease. Therefore, it has been classified as a Variant of Uncertain Significance.